The following is an entry in ClinVar:

NM_004329.3(BMPR1A):c.1462A>G (p.Asn488Asp)

Gene: BMPR1A (bone morphogenetic protein receptor type 1A; plus strand). Cytogenetic location: 10q23.2.
Variant type: single nucleotide variant.
Coding change: c.1462A>G on transcript NM_004329.3 (MANE Select); coding-DNA position 1462, A replaced by G.
Protein change: p.Asn488Asp; replaces asparagine 488 with aspartic acid.
Molecular consequence: missense variant.
Genome position (GRCh38, 1-based): chr10:86,923,495, A>G. VCF-style: chr10-86923495-A-G. GRCh37 (hg19) VCF-style: chr10-88683252-A-G.
Other names: short protein forms N488D.
Identifiers: ClinVar variation 489688 (VCV000489688.6), dbSNP rs1554891616, ClinGen allele CA377463207.

ClinVar aggregate classification (germline): Uncertain significance (1 of 4 stars; one submission).

Conditions:
Hereditary cancer-predisposing syndrome. Also called: Hereditary Cancer Syndrome; Neoplastic Syndromes, Hereditary; Tumor predisposition; Hereditary neoplastic syndrome. Identifiers: Orphanet 140162, MedGen C0027672, MeSH D009386, MONDO:0015356.

Allele frequency attached by ClinVar (database versions not stated): gnomAD 0.00001.
gnomAD v4.1: 1 of 1,614,100 alleles (0.000062%); no homozygotes.

Submission:

Color Diagnostics, LLC DBA Color Health
Classification: Uncertain significance for Hereditary cancer-predisposing syndrome. Last evaluated: 2023-12-05. Review status: criteria provided, single submitter. Criteria: ACMG Guidelines, 2015. Collection method: clinical testing. Allele origin: germline.
Comment: This missense variant replaces asparagine with aspartic acid at codon 488 of the BMPR1A protein. Computational prediction suggests that this variant may not impact protein structure and function (internally defined REVEL score threshold <= 0.5, PMID: 27666373). To our knowledge, functional studies have not been reported for this variant. This variant has not been reported in individuals affected with BMPR1A-related disorders in the literature. This variant has not been identified in the general population by the Genome Aggregation Database (gnomAD). The available evidence is insufficient to determine the role of this variant in disease conclusively. Therefore, this variant is classified as a Variant of Uncertain Significance.